The following is an entry in ClinVar:

Conditions:
Breast-ovarian cancer, familial, susceptibility to, 1 (BROVCA1). Also called: BRCA1 Hereditary Breast and Ovarian Cancer; OVARIAN CANCER, SUSCEPTIBILITY TO. Identifiers: Orphanet 145, MedGen C2676676, MONDO:0011450, OMIM 604370. Disease mechanism: loss of function.

Submission:

Brotman Baty Institute, University of Washington
No classification provided (evidence only). Condition: Breast-ovarian cancer, familial 1. Review status: no classification provided. Collection method: in vitro. Allele origin: not applicable. Functional consequence: functionally_normal.
ClinVar note: "not provided" was previously submitted as the classification for the variant. However, the classification appeared to be based only on an observation of functional data so it was converted to no classification on 2025-07-30.

NM_007294.4(BRCA1):c.5462T>C (p.Phe1821Ser)

Gene: BRCA1 (BRCA1 DNA repair associated; minus strand). Cytogenetic location: 17q21.31.
Variant type: single nucleotide variant.
Coding change: c.5462T>C on transcript NM_007294.4 (MANE Select); coding-DNA position 5462, T replaced by C.
Protein change: p.Phe1821Ser; replaces phenylalanine 1821 with serine.
Molecular consequence: missense variant. On other transcripts: synonymous variant (17).
Genome position (GRCh38, 1-based): chr17:43,047,648, A>G on the plus strand (T>C on the coding strand, the complement: BRCA1 is on the minus strand). VCF-style: chr17-43047648-A-G. GRCh37 (hg19) VCF-style: chr17-41199665-A-G.
Other names: c.5249T>C, p.Phe1750Ser (NM_001407571.1, NM_001407894.1, NM_001407895.1 and 12 more transcripts); c.5528T>C, p.Phe1843Ser (NM_001407581.1, NM_001407582.1); c.5525T>C, p.Phe1842Ser (NM_001407583.1, NM_001407585.1, NM_001407587.1 and 1 more transcripts); c.5522T>C, p.Phe1841Ser (NM_001407590.1, NM_001407591.1); c.5462T>C, p.Phe1821Ser (NM_001407593.1, NM_001407594.1, NM_001407596.1 and 5 more transcripts); c.5459T>C, p.Phe1820Ser (NM_001407610.1, NM_001407611.1, NM_001407612.1 and 14 more transcripts); c.5456T>C, p.Phe1819Ser (NM_001407627.1, NM_001407628.1, NM_001407629.1 and 13 more transcripts); c.5453T>C, p.Phe1818Ser (NM_001407644.1, NM_001407645.1); and 83 more; short protein forms F1774S, F1821S, F1842S, F717S, F1652S, F1667S, F1693S, F1694S.
Identifiers: ClinVar variation 868107 (VCV000868107.3), dbSNP rs2050977559, ClinGen allele CA10590440.